The following is an entry in ClinVar:

ClinVar aggregate classification (germline): Uncertain significance (1 of 4 stars; one submission).

Conditions:
Inborn genetic diseases. Identifiers: MedGen C0950123, MeSH D030342.

gnomAD v4.1: 13 of 1,577,110 alleles (0.00082%); highest among the groups gnomAD compares: Middle Eastern, 0.052%; no homozygotes.

Submission:

Ambry Genetics
Classification: Uncertain significance for Inborn genetic diseases. Last evaluated: 2026-06-01. Review status: criteria provided, single submitter. Criteria: Ambry Variant Classification Scheme 2023. Collection method: clinical testing. Allele origin: germline.
Comment: The c.787+5A>C intronic alteration consists of a A to C substitution nucleotides after coding exon 4 in the ATP2B1 gene. Based on data from gnomAD, the C allele has an overall frequency of 0.006% (2/31382) total alleles studied. The highest observed frequency was 0.013% (2/15416) of European (non-Finnish) alleles. Based on insufficient or conflicting evidence, the clinical significance of this alteration remains unclear.

NM_001366521.1(ATP2B1):c.787+5A>C

Gene: ATP2B1 (ATPase plasma membrane Ca2+ transporting 1; minus strand). Cytogenetic location: 12q21.33.
Variant type: single nucleotide variant.
Coding change: c.787+5A>C on transcript NM_001366521.1 (MANE Select); 5 bases into the intron after coding-DNA position 787, A replaced by C.
Molecular consequence: intron variant.
Genome position (GRCh38, 1-based): chr12:89,634,773, T>G on the plus strand (A>C on the coding strand, the complement: ATP2B1 is on the minus strand). VCF-style: chr12-89634773-T-G. GRCh37 (hg19) VCF-style: chr12-90028550-T-G.
Other names: c.589+5A>C (NM_001413053.1, NM_001366530.1); c.406+7385A>C (NM_001413060.1, NM_001366531.1, NM_001413058.1 and 2 more transcripts); c.532+5A>C (NM_001413056.1); c.787+5A>C (NM_001413051.1, NM_001413048.1, NM_001413054.1 and 17 more transcripts); c.334+5A>C (NM_001413057.1).
Identifiers: ClinVar variation 4867139 (VCV004867139.1).